The following is an entry in ClinVar:

NM_006493.4(CLN5):c.500T>C (p.Phe167Ser)

Gene: CLN5 (CLN5 lysosomal BMP synthase; plus strand). Cytogenetic location: 13q22.3.
Variant type: single nucleotide variant.
Coding change: c.500T>C on transcript NM_006493.4 (MANE Select); coding-DNA position 500, T replaced by C.
Protein change: p.Phe167Ser; replaces phenylalanine 167 with serine.
Molecular consequence: missense variant.
Genome position (GRCh38, 1-based): chr13:76,996,062, T>C. VCF-style: chr13-76996062-T-C. GRCh37 (hg19) VCF-style: chr13-77570197-T-C.
Other names: c.500T>C, p.Phe167Ser (NM_001366624.2); c.647T>C (LRG_692t1); short protein forms F167S.
Identifiers: ClinVar variation 527752 (VCV000527752.10), dbSNP rs1393893027, ClinGen allele CA388309412.

ClinVar aggregate classification (germline): Uncertain significance. Review status: criteria provided, single submitter (1 of 4 stars). 2 submissions from 2 submitters: Uncertain significance (1). 1 of the submissions does not count toward it. Last evaluated 2022-03-22.

Conditions:
Neuronal ceroid lipofuscinosis. Also called: Neuronal Ceroid Lipofuscinoses. Identifiers: Orphanet 216, Orphanet 79263, MedGen C0027877, MONDO:0016295. Disease mechanism: loss of function.

Allele frequency attached by ClinVar (database versions not stated): gnomAD exomes below 0.00001; TOPMed below 0.00001.

Submissions (2):

Labcorp Genetics (formerly Invitae), Labcorp
Classification: Uncertain significance for Neuronal ceroid lipofuscinosis. Last evaluated: 2022-03-22. Review status: criteria provided, single submitter. Criteria: Invitae Variant Classification Sherloc (09022015). Collection method: clinical testing. Allele origin: germline.
Comment: This sequence change replaces phenylalanine, which is neutral and non-polar, with serine, which is neutral and polar, at codon 216 of the CLN5 protein (p.Phe216Ser). This variant is present in population databases (no rsID available, gnomAD 0.003%). This variant has not been reported in the literature in individuals affected with CLN5-related conditions. ClinVar contains an entry for this variant (Variation ID: 527752). Algorithms developed to predict the effect of missense changes on protein structure and function are either unavailable or do not agree on the potential impact of this missense change (SIFT: "Deleterious"; PolyPhen-2: "Benign"; Align-GVGD: "Class C55"). In summary, the available evidence is currently insufficient to determine the role of this variant in disease. Therefore, it has been classified as a Variant of Uncertain Significance.

Natera, Inc.
Classification: Uncertain significance for Neuronal ceroid lipofuscinosis. Last evaluated: 2021-10-19. Review status: no assertion criteria provided. Collection method: clinical testing. Allele origin: germline. Not counted in ClinVar's aggregate classification.